The following is an entry in ClinVar:

NM_004752.4(GCM2):c.22G>T (p.Glu8Ter)

Gene: GCM2 (glial cells missing transcription factor 2; minus strand). Cytogenetic location: 6p24.2.
Variant type: single nucleotide variant.
Coding change: c.22G>T on transcript NM_004752.4 (MANE Select); coding-DNA position 22, G replaced by T.
Protein change: p.Glu8Ter; replaces glutamic acid 8 with a stop codon.
Molecular consequence: nonsense.
Genome position (GRCh38, 1-based): chr6:10,881,772, C>A on the plus strand (G>T on the coding strand, the complement: GCM2 is on the minus strand). VCF-style: chr6-10881772-C-A. GRCh37 (hg19) VCF-style: chr6-10882005-C-A.
Other names: short protein forms E8*.
Identifiers: ClinVar variation 2691426 (VCV002691426.1), dbSNP rs748513242, ClinGen allele CA134135845.

ClinVar aggregate classification (germline): Pathogenic (1 of 4 stars; one submission).

Conditions:
Familial hypoparathyroidism. Also called: Familial isolated hypoparathyroidism. Identifiers: Orphanet 2238, MedGen C1832648, MONDO:0016390.

Allele frequency attached by ClinVar (database versions not stated): gnomAD 0.00001.
gnomAD v4.1: 4 of 1,609,370 alleles (0.00025%); highest among the groups gnomAD compares: African/African-American, 0.0027%; no homozygotes.

Submission:

Women's Health and Genetics/Laboratory Corporation of America, LabCorp
Classification: Pathogenic for Familial hypoparathyroidism. Last evaluated: 2023-12-27. Review status: criteria provided, single submitter. Criteria: LabCorp Variant Classification Summary - May 2015. Collection method: clinical testing. Allele origin: germline.
Comment: Variant summary: GCM2 c.22G>T (p.Glu8X) results in a premature termination codon, predicted to cause a truncation of the encoded protein or absence of the protein due to nonsense mediated decay, which are commonly known mechanisms for disease. The variant allele was found at a frequency of 4.1e-06 in 245992 control chromosomes. To our knowledge, no occurrence of c.22G>T in individuals affected with Familial Hypoparathyroidism and no experimental evidence demonstrating its impact on protein function have been reported. No submitters have cited clinical-significance assessments for this variant to ClinVar after 2014. Based on the evidence outlined above, the variant was classified as pathogenic.